The following is an entry in ClinVar:

ClinVar aggregate classification (germline): Uncertain significance (1 of 4 stars; one submission).

Conditions:
Dilated cardiomyopathy 1O (CMD1O). Also called: CARDIOMYOPATHY, DILATED, WITH VENTRICULAR TACHYCARDIA. Identifiers: Orphanet 154, MedGen C1837839, MONDO:0012062, OMIM 608569.

Submission:

Labcorp Genetics (formerly Invitae), Labcorp
Classification: Uncertain significance for Dilated cardiomyopathy 1O. Last evaluated: 2019-03-06. Review status: criteria provided, single submitter. Criteria: Invitae Variant Classification Sherloc (09022015). Collection method: clinical testing. Allele origin: germline.
Comment: In summary, the available evidence is currently insufficient to determine the role of this variant in disease. Therefore, it has been classified as a Variant of Uncertain Significance. Algorithms developed to predict the effect of missense changes on protein structure and function are either unavailable or do not agree on the potential impact of this missense change (SIFT: "Deleterious"; PolyPhen-2: "Possibly Damaging"; Align-GVGD: "Class C0"). This variant has not been reported in the literature in individuals with ABCC9-related conditions. This variant is not present in population databases (ExAC no frequency). This sequence change replaces glutamic acid with valine at codon 1220 of the ABCC9 protein (p.Glu1220Val). The glutamic acid residue is moderately conserved and there is a moderate physicochemical difference between glutamic acid and valine.

NM_020297.4(ABCC9):c.3659A>T (p.Glu1220Val)

Genes: ABCC9 (ATP binding cassette subfamily C member 9; minus strand), KCNJ8-AS1 (KCNJ8 antisense RNA 1; plus strand). Cytogenetic location: 12p12.1.
Variant type: single nucleotide variant.
Coding change: c.3659A>T on transcript NM_020297.4 (MANE Select); coding-DNA position 3659, A replaced by T.
Protein change: p.Glu1220Val; replaces glutamic acid 1220 with valine.
Molecular consequence: missense variant.
Genome position (GRCh38, 1-based): chr12:21,828,968, T>A on the plus strand (A>T on the coding strand, the complement: ABCC9 is on the minus strand). VCF-style: chr12-21828968-T-A. GRCh37 (hg19) VCF-style: chr12-21981902-T-A.
Other names: c.3659A>T, p.Glu1220Val (NM_001377273.1, NM_005691.4); c.2792A>T, p.Glu931Val (NM_001377274.1); short protein forms E1220V, E931V.
Identifiers: ClinVar variation 862791 (VCV000862791.9), dbSNP rs1943554526, ClinGen allele CA384139850.